The following is an entry in ClinVar:

ClinVar aggregate classification (germline): Benign (1 of 4 stars; one submission).

Conditions:
Hermansky-Pudlak syndrome 4 (HPS4). Identifiers: Orphanet 231500, Orphanet 79430, MedGen C3484357, MONDO:0013556, OMIM 614073.

Allele frequency attached by ClinVar (database versions not stated): gnomAD 0.00082 and 0.00121; TOPMed 0.00177; 1000 Genomes Project 30x 0.00500; 1000 Genomes Project 0.00559.

Submission:

Illumina Laboratory Services, Illumina
Classification: Benign for Hermansky-Pudlak syndrome 4. Last evaluated: 2017-04-27. Review status: criteria provided, single submitter. Criteria: ICSL Variant Classification Criteria 13 December 2019. Collection method: clinical testing. Allele origin: germline.
Comment: This variant was observed as part of a predisposition screen in an ostensibly healthy population. A literature search was performed for the gene, cDNA change, and amino acid change (where applicable). Publications were found based on this search. The evidence from the literature, in combination with allele frequency data from public databases where available, was sufficient to rule this variant out of causing disease. Therefore, this variant is classified as benign.

Literature cited by the submitters: PubMed 20158590.

NM_022081.6(HPS4):c.*1387T>A

Gene: HPS4 (HPS4 biogenesis of lysosomal organelles complex 3 subunit 2; minus strand). Cytogenetic location: 22q12.1.
Variant type: single nucleotide variant.
Coding change: c.*1387T>A on transcript NM_022081.6 (MANE Select); 1387 bases downstream of the stop codon, T replaced by A.
Molecular consequence: 3 prime UTR variant. On other transcripts: non-coding transcript variant (7), intron variant (2).
Genome position (GRCh38, 1-based): chr22:26,451,846, A>T on the plus strand (T>A on the coding strand, the complement: HPS4 is on the minus strand). VCF-style: chr22-26451846-A-T. GRCh37 (hg19) VCF-style: chr22-26847812-A-T.
Other names: c.*1387T>A (NM_001349896.1, NM_001349898.2, NM_001349899.2 and 3 more transcripts); c.*1322T>A (NM_001349902.1, NM_001349903.2); c.1955+6013T>A (NM_001349905.1, NM_001349904.2).
Identifiers: ClinVar variation 900908 (VCV000900908.4), dbSNP rs3752590, ClinGen allele CA322837263.